The following is an entry in ClinVar:

NM_001754.5(RUNX1):c.533C>G (p.Thr178Ser)

Genes: RUNX1 (RUNX family transcription factor 1; minus strand), RUNX1-AS1 (RUNX1 antisense RNA 1; plus strand). Cytogenetic location: 21q22.12.
Variant type: single nucleotide variant.
Coding change: c.533C>G on transcript NM_001754.5 (MANE Select); coding-DNA position 533, C replaced by G.
Protein change: p.Thr178Ser; replaces threonine 178 with serine.
Molecular consequence: missense variant.
Genome position (GRCh38, 1-based): chr21:34,859,554, G>C on the plus strand (C>G on the coding strand, the complement: RUNX1 is on the minus strand). VCF-style: chr21-34859554-G-C. GRCh37 (hg19) VCF-style: chr21-36231851-G-C.
Other names: NM_001754.5(RUNX1):c.533C>G; p.Thr178Ser; c.452C>G, p.Thr151Ser (NM_001001890.3, NM_001122607.2); c.533C>G (NM_001754.4); short protein forms T178S, T151S.
Identifiers: ClinVar variation 1496240 (VCV001496240.10), dbSNP rs2146236397, ClinGen allele CA410208106.

ClinVar aggregate classification (germline): Uncertain significance. Review status: reviewed by expert panel (3 of 4 stars). 3 submissions from 3 submitters: Uncertain significance (1). 2 of the submissions do not count toward it. Last evaluated 2024-07-17.

Conditions:
Hereditary thrombocytopenia and hematological cancer predisposition syndrome associated with RUNX1. Also called: Familial Platelet Disorder with Propensity to Acute Myelogenous Leukemia; Familial thrombocytopenia with propensity to acute myelogenous leukemia; RUNX1 Familial Platelet Disorder with Associated Myeloid Malignancies; PLATELET DISORDER, ASPIRIN-LIKE. Identifiers: Orphanet 71290, MedGen C1832388, MeSH C563324, MONDO:0100083, OMIM 601399.
Hereditary thrombocytopenia and hematologic cancer predisposition syndrome. Identifiers: Orphanet 71290, MedGen CN281654, MONDO:0011071.
Inborn genetic diseases. Identifiers: MedGen C0950123, MeSH D030342.

Submissions (3):

ClinGen Myeloid Malignancy Variant Curation Expert Panel
Classification: Uncertain significance for Hereditary thrombocytopenia and hematologic cancer predisposition syndrome. Last evaluated: 2024-07-17. Review status: reviewed by expert panel. Criteria: ClinGen MyeloMalig ACMG Specifications v2. Collection method: curation. Allele origin: germline. Inheritance: Autosomal dominant inheritance.
Comment: NM_001754.5(RUNX1):c.533C>G (p.Thr178Ser) is a missense variant affecting one of the residues within the runt homology domain, but not a known hotspot residue (PM1_supporting). This variant is completely absent from all population databases with at least 20x coverage for RUNX1 in gnomAD v2.1.1 and v3.1.2 (PM2_supporting). It has a REVEL score >0.88 (0.893) (PP3). The variant was reported in ClinVar in 2022 by Invitae, but the affected status of the proband is unknown (Variation ID 1496240). In summary, the clinical significance of this variant is uncertain. ACMG/AMP criteria have been applied as specified by the Myeloid Malignancy Variant Curation Expert Panel for RUNX1: PM2_supporting, PP3, PM1_supporting.

Ambry Genetics
Classification: Uncertain significance for Inborn genetic diseases. Last evaluated: 2026-07-06. Review status: criteria provided, single submitter. Criteria: Ambry Variant Classification Scheme 2023. Collection method: clinical testing. Allele origin: germline. Not counted in ClinVar's aggregate classification.
Comment: The p.T178S variant (also known as c.533C>G), located in coding exon 5 of the RUNX1 gene, results from a C to G substitution at nucleotide position 533. The threonine at codon 178 is replaced by serine, an amino acid with similar properties. This amino acid position is conserved. In addition, this alteration is predicted to be deleterious by in silico analysis. Based on the available evidence, the clinical significance of this variant remains unclear.

Labcorp Genetics (formerly Invitae), Labcorp
Classification: Uncertain significance for Hereditary thrombocytopenia and hematological cancer predisposition syndrome associated with RUNX1. Last evaluated: 2022-03-08. Review status: criteria provided, single submitter. Criteria: Invitae Variant Classification Sherloc (09022015). Collection method: clinical testing. Allele origin: germline. Not counted in ClinVar's aggregate classification.
Comment: This sequence change replaces threonine, which is neutral and polar, with serine, which is neutral and polar, at codon 178 of the RUNX1 protein (p.Thr178Ser). This variant is not present in population databases (gnomAD no frequency). This variant has not been reported in the literature in individuals affected with RUNX1-related conditions. Algorithms developed to predict the effect of missense changes on protein structure and function (SIFT, PolyPhen-2, Align-GVGD) all suggest that this variant is likely to be tolerated. Algorithms developed to predict the effect of sequence changes on RNA splicing suggest that this variant may create or strengthen a splice site. In summary, the available evidence is currently insufficient to determine the role of this variant in disease. Therefore, it has been classified as a Variant of Uncertain Significance.